The following is an entry in ClinVar:

NM_000489.6(ATRX):c.2479A>G (p.Ser827Gly)

Gene: ATRX (ATRX chromatin remodeler; minus strand). Cytogenetic location: Xq21.1.
Variant type: single nucleotide variant.
Coding change: c.2479A>G on transcript NM_000489.6 (MANE Select); coding-DNA position 2479, A replaced by G.
Protein change: p.Ser827Gly; replaces serine 827 with glycine.
Molecular consequence: missense variant.
Genome position (GRCh38, 1-based): chrX:77,682,777, T>C on the plus strand (A>G on the coding strand, the complement: ATRX is on the minus strand). VCF-style: chrX-77682777-T-C. GRCh37 (hg19) VCF-style: chrX-76938269-T-C.
Other names: c.2365A>G, p.Ser789Gly (NM_138270.5); short protein forms S789G, S827G.
Identifiers: ClinVar variation 3338625 (VCV003338625.1).
Genomic context (GRCh38, chrX:77,682,777, plus strand): 5'-AATCTTTTGTATTTGGAATTCTTTTTTTGGTGGTTCTGGCAGCACCAATTTTACTCATGC[T>C]CTTTATCTCTTTTTCTAATTCTGAGTCATAATTAGAAGACTCAGACTGGGTTTGTCGTTT-3'
Protein context (NP_000480.3, residues 817-837): YDSELEKEIK[Ser827Gly]MSKIGAARTT

ClinVar aggregate classification (germline): Uncertain significance (1 of 4 stars; one submission).

Submission:

Greenwood Genetic Center Diagnostic Laboratories, Greenwood Genetic Center
Classification: Uncertain significance. Last evaluated: 2024-05-06. Review status: criteria provided, single submitter. Criteria: ACMG Guidelines, 2015. Collection method: clinical testing. Allele origin: germline. Affected: yes.
Comment: PM2